The following is an entry in ClinVar:

NM_000179.3(MSH6):c.914C>G (p.Thr305Ser)

Gene: MSH6 (mutS homolog 6; plus strand). Cytogenetic location: 2p16.3.
Variant type: single nucleotide variant.
Coding change: c.914C>G on transcript NM_000179.3 (MANE Select); coding-DNA position 914, C replaced by G.
Protein change: p.Thr305Ser; replaces threonine 305 with serine.
Molecular consequence: missense variant.
Genome position (GRCh38, 1-based): chr2:47,798,897, C>G. VCF-style: chr2-47798897-C-G. GRCh37 (hg19) VCF-style: chr2-48026036-C-G.
Other names: c.524C>G, p.Thr175Ser (NM_001281492.2); c.8C>G, p.Thr3Ser (NM_001281493.2, NM_001281494.2); short protein forms T175S, T305S, T3S.
Identifiers: ClinVar variation 1318688 (VCV001318688.4), dbSNP rs2104306041, ClinGen allele CA346740727.
Genomic context (GRCh38, chr2:47,798,897, plus strand): 5'-GTGAGAGTGAAGGCCTGAACAGCCCTGTCAAAGTTGCTCGAAAGCGGAAGAGAATGGTGA[C>G]TGGAAATGGCTCTCTTAAAAGGAAAAGCTCTAGGAAGGAAACGCCCTCAGCCACCAAACA-3'
Protein context (NP_000170.1, residues 295-315): KVARKRKRMV[Thr305Ser]GNGSLKRKSS

ClinVar aggregate classification (germline): Uncertain significance. Review status: criteria provided, multiple submitters, no conflicts (2 of 4 stars). 3 submissions from 3 submitters: Uncertain significance (3). Last evaluated 2025-09-09.

Conditions:
Hereditary nonpolyposis colorectal neoplasms. Identifiers: MedGen C0009405, MeSH D003123.
Hereditary cancer-predisposing syndrome. Also called: Hereditary neoplastic syndrome; Neoplastic Syndromes, Hereditary; Tumor predisposition; Hereditary Cancer Syndrome. Identifiers: Orphanet 140162, MedGen C0027672, MeSH D009386, MONDO:0015356.

gnomAD v4.1: 1 of 1,614,152 alleles (0.000062%); no homozygotes.

Submissions (3):

Labcorp Genetics (formerly Invitae), Labcorp
Classification: Uncertain significance for Hereditary nonpolyposis colorectal neoplasms. Last evaluated: 2025-09-09. Review status: criteria provided, single submitter. Criteria: Invitae Variant Classification Sherloc (09022015). Collection method: clinical testing. Allele origin: germline.
Comment: This sequence change replaces threonine, which is neutral and polar, with serine, which is neutral and polar, at codon 305 of the MSH6 protein (p.Thr305Ser). This variant is not present in population databases (gnomAD no frequency). This variant has not been reported in the literature in individuals affected with MSH6-related conditions. ClinVar contains an entry for this variant (Variation ID: 1318688). Invitae Evidence Modeling of protein sequence and biophysical properties (such as structural, functional, and spatial information, amino acid conservation, physicochemical variation, residue mobility, and thermodynamic stability) indicates that this missense variant is not expected to disrupt MSH6 protein function with a negative predictive value of 95%. Algorithms developed to predict the effect of sequence changes on RNA splicing suggest that this variant may create or strengthen a splice site. In summary, the available evidence is currently insufficient to determine the role of this variant in disease. Therefore, it has been classified as a Variant of Uncertain Significance.

Ambry Genetics
Classification: Uncertain significance for Hereditary cancer-predisposing syndrome. Last evaluated: 2025-05-07. Review status: criteria provided, single submitter. Criteria: Ambry Variant Classification Scheme 2023. Collection method: clinical testing. Allele origin: germline.
Comment: The p.T305S variant (also known as c.914C>G), located in coding exon 4 of the MSH6 gene, results from a C to G substitution at nucleotide position 914. The threonine at codon 305 is replaced by serine, an amino acid with similar properties. This amino acid position is not well conserved in available vertebrate species. In addition, this alteration is predicted to be tolerated by in silico analysis. Based on the available evidence, the clinical significance of this variant remains unclear.

GeneDx
Classification: Uncertain significance. Last evaluated: 2019-09-25. Review status: criteria provided, single submitter. Criteria: GeneDx Variant Classification Process June 2021. Collection method: clinical testing. Allele origin: germline. Affected: yes.
Comment: Not observed in large population cohorts (Lek et al., 2016); Has not been previously published as pathogenic or benign to our knowledge